The following is an entry in ClinVar:

ClinVar aggregate classification (germline): Uncertain significance. Review status: criteria provided, multiple submitters, no conflicts (2 of 4 stars). 2 submissions from 2 submitters: Uncertain significance (2). Last evaluated 2024-11-04.

Conditions:
Wiskott-Aldrich syndrome (WAS). Also called: ALDRICH SYNDROME; IMMUNODEFICIENCY 2; WISKOTT-ALDRICH SYNDROME 1; Wiskott-aldrich syndrome, somatic. Identifiers: Orphanet 906, MedGen C0043194, MONDO:0010518, OMIM 301000.
Thrombocytopenia 1. Also called: X-Linked Thrombocytopenia (XLT); X-linked thrombocytopenia with normal platelets; THROMBOCYTOPENIA, X-LINKED, 1. Identifiers: Orphanet 268322, Orphanet 852, MedGen C1839163, MONDO:0010743, OMIM 313900.
X-linked severe congenital neutropenia (SCNX). Identifiers: Orphanet 86788, MedGen C1845987, MONDO:0010294, OMIM 300299.
Inborn genetic diseases. Identifiers: MedGen C0950123, MeSH D030342.

Submissions (2):

Labcorp Genetics (formerly Invitae), Labcorp
Classification: Uncertain significance for Wiskott-Aldrich syndrome; X-linked severe congenital neutropenia; Thrombocytopenia 1. Last evaluated: 2024-11-04. Review status: criteria provided, single submitter. Criteria: Invitae Variant Classification Sherloc (09022015). Collection method: clinical testing. Allele origin: germline.
Comment: This sequence change replaces glycine, which is neutral and non-polar, with alanine, which is neutral and non-polar, at codon 333 of the WAS protein (p.Gly333Ala). This variant is present in population databases (rs782659259, gnomAD 0.008%), including at least one homozygous and/or hemizygous individual. This variant has not been reported in the literature in individuals affected with WAS-related conditions. Invitae Evidence Modeling of protein sequence and biophysical properties (such as structural, functional, and spatial information, amino acid conservation, physicochemical variation, residue mobility, and thermodynamic stability) indicates that this missense variant is expected to disrupt WAS protein function with a positive predictive value of 80%. In summary, the available evidence is currently insufficient to determine the role of this variant in disease. Therefore, it has been classified as a Variant of Uncertain Significance.

Ambry Genetics
Classification: Uncertain significance for Inborn genetic diseases. Last evaluated: 2024-10-09. Review status: criteria provided, single submitter. Criteria: Ambry Variant Classification Scheme 2023. Collection method: clinical testing. Allele origin: germline.

NM_000377.3(WAS):c.998G>C (p.Gly333Ala)

Gene: WAS (WASP actin nucleation promoting factor; plus strand). Cytogenetic location: Xp11.23.
Variant type: single nucleotide variant.
Coding change: c.998G>C on transcript NM_000377.3 (MANE Select); coding-DNA position 998, G replaced by C.
Protein change: p.Gly333Ala; replaces glycine 333 with alanine.
Molecular consequence: missense variant.
Genome position (GRCh38, 1-based): chrX:48,688,726, G>C. VCF-style: chrX-48688726-G-C. GRCh37 (hg19) VCF-style: chrX-48547115-G-C.
Other names: short protein forms G333A.
Identifiers: ClinVar variation 3468956 (VCV003468956.3).
Genomic context (GRCh38, chrX:48,688,726, plus strand): 5'-TTCCGCCGCCCCCACCGCCATCTCGAGGAGGGAACCAGCTCCCCCGGCCCCCTATTGTGG[G>C]GGGTAACAAGGGTCGTTCTGGTCCACTGCCCCCTGTACCTTTGGGGATTGCCCCACCCCC-3'
Protein context (NP_000368.1, residues 323-343): GNQLPRPPIV[Gly333Ala]GNKGRSGPLP